The following is an entry in ClinVar:

NM_012144.4(DNAI1):c.1040del (p.Leu347fs)

Gene: DNAI1 (dynein axonemal intermediate chain 1; plus strand). Cytogenetic location: 9p13.3.
Variant type: Deletion.
Coding change: c.1040del on transcript NM_012144.4 (MANE Select); coding-DNA position 1040, one base deleted (T; older notation c.1040delT).
Protein change: p.Leu347fs; shifts the reading frame from leucine 347.
Molecular consequence: frameshift variant.
Genome position (GRCh38, 1-based): chr9:34,501,158, T deleted. VCF-style (leftmost placement, unchanged base first): chr9-34501157-CT-C. GRCh37 (hg19) VCF-style: chr9-34501155-CT-C.
Other names: c.1052del, p.Leu351fs (NM_001281428.2); short protein forms L347fs, L351fs.
Identifiers: ClinVar variation 5013552 (VCV005013552.1).
Genomic context (GRCh38, chr9:34,501,157, plus strand): 5'-GTTCATTTCCTATGCCAATGGATTCATATTTTTTTTTGCAGGAATCCAAAGTACAGGGAT[CT>C]GTTTGCAGTGGGATATGGCTCTTGTAAGTGATCTGACTATTCATTTATTTGCTCATGTAA-3'

ClinVar aggregate classification (germline): Pathogenic (1 of 4 stars; one submission).

Conditions:
Kartagener syndrome (CILD1). Also called: CILIARY DYSKINESIA, PRIMARY, 1; CILIARY DYSKINESIA, PRIMARY, 1, WITH OR WITHOUT SITUS INVERSUS; IMMOTILE CILIA SYNDROME; POLYNESIAN BRONCHIECTASIS; Dextrocardia bronchiectasis and sinusitis; SIEWERT SYNDROME. Identifiers: Orphanet 244, MedGen C4551906, MONDO:0009484, OMIM 244400.

Submission:

Myriad Genetics, Inc.
Classification: Pathogenic for Kartagener syndrome. Last evaluated: 2024-09-16. Review status: criteria provided, single submitter. Criteria: Myriad Autosomal Dominant, Autosomal Recessive and X-Linked Classification Criteria (2023). Collection method: clinical testing. Allele origin: unknown.
Comment: NM_012144.2(DNAI1):c.1040delT(L347Rfs*12) is expected to be pathogenic in the context of primary ciliary dyskinesia, DNAI1-related. This variant is predicted to lead to an abnormal or absent protein product due to the creation of a premature termination codon in DNAI1, a gene where loss-of-function variants are known to be pathogenic. Please note: this variant was assessed in the context of healthy population screening.